The following is an entry in ClinVar:

NM_001349338.3(FOXP1):c.1495T>C (p.Phe499Leu)

Genes: FOXP1 (forkhead box P1; minus strand), LOC126806714 (BRD4-independent group 4 enhancer GRCh37_chr3:71025197-71026396; plus strand). Cytogenetic location: 3p13.
Variant type: single nucleotide variant.
Coding change: c.1495T>C on transcript NM_001349338.3 (MANE Select); coding-DNA position 1495, T replaced by C.
Protein change: p.Phe499Leu; replaces phenylalanine 499 with leucine.
Molecular consequence: missense variant. On other transcripts: non-coding transcript variant (2).
Genome position (GRCh38, 1-based): chr3:70,976,976, A>G on the plus strand (T>C on the coding strand, the complement: FOXP1 is on the minus strand). VCF-style: chr3-70976976-A-G. GRCh37 (hg19) VCF-style: chr3-71026127-A-G.
Other names: c.1192T>C, p.Phe398Leu (NM_001349343.3, NM_001349344.3, NM_001370548.1 and 1 more transcripts); c.1495T>C, p.Phe499Leu (NM_032682.6, NM_001244810.2, NM_001244814.3 and 2 more transcripts); c.1492T>C, p.Phe498Leu (NM_001244808.3, NM_001349341.3); c.1267T>C, p.Phe423Leu (NM_001244812.3); c.1195T>C, p.Phe399Leu (NM_001244813.3, NM_001244815.2, NM_001349342.3); short protein forms F398L, F399L, F423L, F498L, F499L.
Identifiers: ClinVar variation 985809 (VCV000985809.5), dbSNP rs2037699473, ClinGen allele CA353492804.

ClinVar aggregate classification (germline): Uncertain significance (1 of 4 stars; one submission).

Conditions:
Inborn genetic diseases. Identifiers: MedGen C0950123, MeSH D030342.

Submission:

Ambry Genetics
Classification: Uncertain significance for Inborn genetic diseases. Last evaluated: 2019-03-20. Review status: criteria provided, single submitter. Criteria: Ambry Variant Classification Scheme 2023. Collection method: clinical testing. Allele origin: germline.
Comment: The alteration results in an amino acid change:_x000D_ _x000D_ The c.1495T>C (p.F499L) alteration is located in exon 17 (coding exon 12) of the FOXP1 gene. This alteration results from a T to C substitution at nucleotide position 1495, causing the phenylalanine (F) at amino acid position 499 to be replaced by a leucine (L). The alteration is not observed in population databases:_x000D_ _x000D_ Based on data from the Genome Aggregation Database (gnomAD), the FOXP1 c.1495T>C alteration was not observed, with coverage at this position. The altered amino acid is conserved throughout evolution:_x000D_ _x000D_ The p.F499 amino acid is conserved in available vertebrate species. The alteration is predicted deleterious by in silico models:_x000D_ _x000D_ The p.F499L alteration is predicted to be probably damaging by Polyphen and deleterious by SIFT in silico analyses. Based on insufficient or conflicting evidence, the clinical significance of this alteration remains unclear.